The following is an entry in ClinVar:

ClinVar aggregate classification (germline): Likely benign (1 of 4 stars; one submission).

gnomAD v4.1: 4,640 of 1,009,822 alleles (0.46%); highest among the groups gnomAD compares: Middle Eastern, 0.7%; 24 homozygotes.

Submission:

CeGaT Center for Human Genetics Tuebingen
Classification: Likely benign. Last evaluated: 2026-09-01. Review status: criteria provided, single submitter. Criteria: CeGaT Center For Human Genetics Tuebingen Variant Classification Criteria Version 2. Collection method: clinical testing. Allele origin: germline. Affected: yes. Observed: 29 variant alleles.
Comment: AKT1: BP4, BP7, BS2

NM_001382430.1(AKT1):c.1173-120C>T

Gene: AKT1 (AKT serine/threonine kinase 1; minus strand). Cytogenetic location: 14q32.33.
Variant type: single nucleotide variant.
Coding change: c.1173-120C>T on transcript NM_001382430.1 (MANE Select); 120 bases into the intron before coding-DNA position 1173, C replaced by T.
Molecular consequence: intron variant.
Genome position (GRCh38, 1-based): chr14:104,772,572, G>A on the plus strand (C>T on the coding strand, the complement: AKT1 is on the minus strand). VCF-style: chr14-104772572-G-A. GRCh37 (hg19) VCF-style: chr14-105238909-G-A.
Other names: c.1173-120C>T (NM_001014431.2, NM_001014432.2, NM_001382433.1 and 3 more transcripts).
Identifiers: ClinVar variation 3388123 (VCV003388123.14).